The following is an entry in ClinVar:

NM_007294.4(BRCA1):c.670+295_844del

Gene: BRCA1 (BRCA1 DNA repair associated; minus strand). Cytogenetic location: 17q21.31.
Variant type: Deletion.
Coding change: c.670+295_844del on transcript NM_007294.4 (MANE Select); 295 bases into the intron after coding-DNA position 670 through coding-DNA position 844, 865 bases deleted.
Molecular consequence: splice acceptor variant. On other transcripts: splice donor variant (124), intron variant (13).
Genome position (GRCh38, 1-based): chr17:43,094,687-43,095,551, 865 bases deleted. GRCh37 (hg19): chr17:41,246,707-41,247,571.
Other names: c.529+295_646+57del (NM_001408458.1, NM_001408469.1, NM_001408453.1 and 11 more transcripts); c.-218-691_-45del (NM_001407967.1, NM_001407966.1); c.289+295_463del (NM_001407959.1, NM_001407963.1, NM_001407960.1); c.404-691_577del (NM_001407931.1, NM_001407932.1, NM_001407934.1 and 2 more transcripts); c.526+295_700del (NM_001407747.1, NM_001407848.1, NM_001407839.1 and 20 more transcripts); c.286+295_460del (NM_001407962.1); c.167-691_283+57del (NM_001408512.1); c.289+295_406+57del (NM_001408510.1); and 40 more.
Identifiers: ClinVar variation 1502839 (VCV001502839.7), dbSNP rs2154490085, ClinGen allele CA2573154052.

ClinVar aggregate classification (germline): Likely pathogenic (1 of 4 stars; one submission).

Conditions:
Hereditary breast ovarian cancer syndrome. Also called: Hereditary breast and ovarian cancer; Breast and ovarian cancer; BRCA1- and BRCA2-Associated Hereditary Breast and Ovarian Cancer; Hereditary breast and/or ovarian cancer syndrome; Hereditary breast and ovarian cancer syndrome; Hereditary breast and ovarian cancer syndrome (HBOC). Identifiers: Orphanet 145, MedGen C0677776, MeSH D061325, MONDO:0003582. Disease mechanism: loss of function.

Submission:

Labcorp Genetics (formerly Invitae), Labcorp
Classification: Likely pathogenic for Hereditary breast ovarian cancer syndrome. Last evaluated: 2023-07-17. Review status: criteria provided, single submitter. Criteria: Invitae Variant Classification Sherloc (09022015). Collection method: clinical testing. Allele origin: germline.
Comment: This variant results in the deletion of part of exon 10 (c.670+295_844del) of the BRCA1 gene. It is expected to disrupt RNA splicing. Variants that disrupt the donor or acceptor splice site typically lead to a loss of protein function (PMID: 16199547), and loss-of-function variants in BRCA1 are known to be pathogenic (PMID: 20104584). This variant is not present in population databases (gnomAD no frequency). This variant has not been reported in the literature in individuals affected with BRCA1-related conditions. ClinVar contains an entry for this variant (Variation ID: 1502839). In summary, the currently available evidence indicates that the variant is pathogenic, but additional data are needed to prove that conclusively. Therefore, this variant has been classified as Likely Pathogenic.

Literature cited by the submitters: PubMed 16199547; PubMed 20104584.